The following is an entry in ClinVar:

ClinVar aggregate classification (germline): Conflicting classifications of pathogenicity. Review status: criteria provided, conflicting classifications (1 of 4 stars). 6 submissions from 6 submitters: Likely pathogenic (1); Uncertain significance (5). Last evaluated 2026-06-25.

Conditions:
RYR1-related disorder. Also called: RYR1-related disorders; RYR1-related condition. Identifiers: MedGen CN239331.
Malignant hyperthermia, susceptibility to, 1 (MHS1). Also called: Malignant hyperthermia suceptibility 1; Anesthesia related hyperthermia; Malignant hyperpyrexia; Fulminating hyperpyrexia; Pharmacogenic myopathy; RYR1-Related Malignant Hyperthermia Susceptibility. Identifiers: Orphanet 423, MedGen C2930980, MONDO:0007783, OMIM 145600.
Congenital myopathy with fiber type disproportion. Also called: Congenital fiber-type disproportion myopathy; Congenital fiber-type disproportion. Identifiers: Orphanet 2020, MedGen C0546264, MONDO:0009711. Inheritance: all.

Submissions (6):

GeneDx
Classification: Likely pathogenic. Last evaluated: 2026-06-25. Review status: criteria provided, single submitter. Criteria: GeneDx Variant Classification Process June 2021. Collection method: clinical testing. Allele origin: germline.
Comment: Has not been previously published as pathogenic or benign to our knowledge; Not observed at significant frequency in large population cohorts (gnomAD); In-frame deletion of 9 amino acids in a non-repeat region; In silico analysis supports a deleterious effect on protein structure/function

Color Diagnostics, LLC DBA Color Health
Classification: Uncertain significance for Malignant hyperthermia, susceptibility to, 1. Last evaluated: 2025-06-03. Review status: criteria provided, single submitter. Criteria: ACMG Guidelines, 2015. Collection method: clinical testing. Allele origin: germline.
Comment: This variant results in an in-frame deletion of 9 amino acids in the RYR1 protein. To our knowledge, functional studies have not been reported for this variant. This variant has not been reported in individuals affected with RYR1-related disorders in the literature. This variant has been identified in 2/250722 chromosomes in the general population by the Genome Aggregation Database (gnomAD). The available evidence is insufficient to determine the role of this variant in disease conclusively. Therefore, this variant is classified as a Variant of Uncertain Significance.

All of Us Research Program, National Institutes of Health
Classification: Uncertain significance for Malignant hyperthermia, susceptibility to, 1. Last evaluated: 2024-08-06. Review status: criteria provided, single submitter. Criteria: ACMG Guidelines, 2015. Collection method: clinical testing. Allele origin: germline. Inheritance: Autosomal dominant inheritance. Observed: 2 variant alleles, 2 heterozygotes.
Comment: This study involves interpretation of variants in research participants for the purpose of population health screening. Participant phenotype was not available at the time of variant classification. Additional details can be found in publication PMID: 35346344, PMCID: PMC8962531

Molecular Genetics, Royal Melbourne Hospital
Classification: Uncertain significance for Malignant hyperthermia, susceptibility to, 1. Last evaluated: 2023-03-30. Review status: criteria provided, single submitter. Criteria: ACMG Guidelines, 2015. Collection method: clinical testing. Allele origin: germline. Affected: yes.
Comment: This sequence change is an inframe deletion of 27 bp predicted to cause the deletion of 9 amino acids at position 4182-4190 of the RYR1 protein (p.(Ile4182_Glu4190del)). The deleted region is highly conserved (100 vertebrates, UCSC), and is not in an annotated domain. The variant is present in a large population cohort at a frequency of 0.002% in the non-Finnish European population (2/250,722 alleles, 0 homozygotes, rs1057518885, gnomAD v2.1.1). This variant has been reported twice in ClinVar as a variant of uncertain significance, in an individual with muscle weakness, and in an individual with a hypomimic face, hyporeflexia and generalised hypotonia (ClinVar ID: 647285). There is no information about malignant hyperthermia susceptibility (MHS) for either of these individuals. Based on the classification guidelines RMH Modified ACMG Guidelines v1.3.0, this variant is classified as a VARIANT OF UNCERTAIN SIGNIFICANCE. The following criteria are met: PM4, PM2_Supporting, PP4.

Labcorp Genetics (formerly Invitae), Labcorp
Classification: Uncertain significance for RYR1-related disorder. Last evaluated: 2022-06-04. Review status: criteria provided, single submitter. Criteria: Invitae Variant Classification Sherloc (09022015). Collection method: clinical testing. Allele origin: germline.
Comment: This variant is present in population databases (no rsID available, gnomAD 0.002%). This variant, c.12544_12570del, results in the deletion of 9 amino acid(s) of the RYR1 protein (p.Ile4182_Glu4190del), but otherwise preserves the integrity of the reading frame. ClinVar contains an entry for this variant (Variation ID: 647285). This variant has not been reported in the literature in individuals affected with RYR1-related conditions. Experimental studies and prediction algorithms are not available or were not evaluated, and the functional significance of this variant is currently unknown. In summary, the available evidence is currently insufficient to determine the role of this variant in disease. Therefore, it has been classified as a Variant of Uncertain Significance.

Centre for Mendelian Genomics, University Medical Centre Ljubljana
Classification: Uncertain significance for Congenital myopathy 4A, autosomal dominant. Last evaluated: 2019-08-12. Review status: criteria provided, single submitter. Criteria: ACMG Guidelines, 2015. Collection method: clinical testing. Allele origin: unknown. Affected: yes.
Comment: This variant was classified as: Uncertain significance. The available evidence favors the pathogenic nature of this variant, however the currently available data is insufficient to conclusively support its pathogenic nature. Thus this variant is classified as Uncertain significance - favor pathogenic. The following ACMG criteria were applied in classifying this variant: PM2,PM4.

NM_000540.3(RYR1):c.12544_12570del (p.Ile4182_Glu4190del)

Gene: RYR1 (ryanodine receptor 1; plus strand). Cytogenetic location: 19q13.2.
Variant type: Deletion.
Coding change: c.12544_12570del on transcript NM_000540.3 (MANE Select); coding-DNA positions 12544 to 12570, 27 bases deleted (ATCATGGGCGCGTCACGCCGCATCGAG).
Protein change: p.Ile4182_Glu4190del.
Molecular consequence: inframe deletion.
Genome position (GRCh38, 1-based): chr19:38,561,374-38,561,400, ATCATGGGCGCGTCACGCCGCATCGAG deleted; deleting any 27 consecutive bases within chr19:38,561,363-38,561,400 gives the same sequence; the c. name uses the placement nearest the transcript's 3' end. VCF-style (leftmost placement, unchanged base first): chr19-38561362-GGCCGCATCGAGATCATGGGCGCGTCAC-G. GRCh37 (hg19) VCF-style: chr19-39052002-GGCCGCATCGAGATCATGGGCGCGTCAC-G.
Other names: c.12529_12555del, p.Ile4177_Glu4185del (NM_001042723.2); c.12544_12570delATCATGGGCGCGTCACGCCGCATCGAG (NM_000540.2).
Identifiers: ClinVar variation 647285 (VCV000647285.18), dbSNP rs1238215145, ClinGen allele CA633066788.